The following is an entry in ClinVar:

NM_005422.4(TECTA):c.458C>T (p.Thr153Met)

Genes: TBCEL-TECTA (TBCEL-TECTA readthrough; plus strand), TECTA (tectorin alpha; plus strand). Cytogenetic location: 11q23.3.
Variant type: single nucleotide variant.
Coding change: c.458C>T on transcript NM_005422.4 (MANE Select); coding-DNA position 458, C replaced by T.
Protein change: p.Thr153Met; replaces threonine 153 with methionine.
Molecular consequence: missense variant.
Genome position (GRCh38, 1-based): chr11:121,109,470, C>T. VCF-style: chr11-121109470-C-T. GRCh37 (hg19) VCF-style: chr11-120980179-C-T.
Other names: p.Thr153Met; c.1415C>T, p.Thr472Met (NM_001378761.1); short protein forms T153M, T472M.
Identifiers: ClinVar variation 546450 (VCV000546450.55), dbSNP rs1555121799, ClinGen allele CA383020985.

ClinVar aggregate classification (germline): Uncertain significance. Review status: criteria provided, multiple submitters, no conflicts (2 of 4 stars). 6 submissions from 6 submitters: Uncertain significance (5). 1 of the submissions does not count toward it. Last evaluated 2026-06-10.

Conditions:
TECTA-related disorder. Also called: TECTA-related condition.
Autosomal dominant nonsyndromic hearing loss 12. Also called: DEAFNESS, AUTOSOMAL DOMINANT 8. Identifiers: Orphanet 90635, MedGen C1832187, MONDO:0011102, OMIM 601543.

Allele frequency attached by ClinVar (database versions not stated): gnomAD exomes below 0.00001.
gnomAD v4.1: 1 of 1,614,124 alleles (0.000062%); highest among the groups gnomAD compares: Non-Finnish European, 0.000085%; no homozygotes.

Submissions (6):

PreventionGenetics, part of Exact Sciences
Classification: Uncertain significance for TECTA-related condition. Last evaluated: 2026-06-10. Review status: criteria provided, single submitter. Criteria: ACMG Guidelines, 2015. Collection method: clinical testing. Allele origin: germline.
Comment: The TECTA c.458C>T variant is predicted to result in the amino acid substitution p.Thr153Met. To our knowledge, this variant has not been reported in the literature or in a large population database, indicating this variant is rare. At this time, the clinical significance of this variant is uncertain due to the absence of conclusive functional and genetic evidence.

GeneDx
Classification: Uncertain significance. Last evaluated: 2025-08-13. Review status: criteria provided, single submitter. Criteria: GeneDx Variant Classification Process June 2021. Collection method: clinical testing. Allele origin: germline. Affected: yes.
Comment: Not observed at significant frequency in large population cohorts (gnomAD); In silico analysis suggests that this missense variant does not alter protein structure/function; Has not been previously published as pathogenic or benign to our knowledge; This variant is associated with the following publications: (PMID: 21520338, 31554319, 9590290)

Labcorp Genetics (formerly Invitae), Labcorp
Classification: Uncertain significance. Last evaluated: 2024-01-28. Review status: criteria provided, single submitter. Criteria: Invitae Variant Classification Sherloc (09022015). Collection method: clinical testing. Allele origin: germline.
Comment: This sequence change replaces threonine, which is neutral and polar, with methionine, which is neutral and non-polar, at codon 153 of the TECTA protein (p.Thr153Met). This variant is not present in population databases (gnomAD no frequency). This variant has not been reported in the literature in individuals affected with TECTA-related conditions. ClinVar contains an entry for this variant (Variation ID: 546450). Advanced modeling of protein sequence and biophysical properties (such as structural, functional, and spatial information, amino acid conservation, physicochemical variation, residue mobility, and thermodynamic stability) performed at Invitae indicates that this missense variant is not expected to disrupt TECTA protein function with a negative predictive value of 95%. In summary, the available evidence is currently insufficient to determine the role of this variant in disease. Therefore, it has been classified as a Variant of Uncertain Significance.

CeGaT Center for Human Genetics Tuebingen
Classification: Uncertain significance. Last evaluated: 2020-01-01. Review status: criteria provided, single submitter. Criteria: CeGaT Center For Human Genetics Tuebingen Variant Classification Criteria Version 2. Collection method: clinical testing. Allele origin: germline. Affected: yes. Observed: 1 variant allele.

Laboratory for Molecular Medicine, Mass General Brigham Personalized Medicine
Classification: Uncertain significance. Last evaluated: 2018-05-03. Review status: criteria provided, single submitter. Criteria: LMM Criteria. Collection method: clinical testing. Allele origin: germline. Observed: 2 variant alleles.
Comment: The p.Thr153Met variant in TECTA has not been previously reported in individuals with hearing loss and was absent from large population studies. Computational p rediction tools and conservation analyses suggest that this variant may impact t he protein, though this information is not predictive enough to determine pathog enicity. In summary, the clinical significance of the p.Thr153Met variant is unc ertain. ACMG/AMP criteria applied: PM2, PP3.

Bioscientia Institut fuer Medizinische Diagnostik GmbH, Sonic Healthcare
Classification: Uncertain significance for Autosomal dominant nonsyndromic hearing loss 12. Last evaluated: 2018-03-02. Review status: no assertion criteria provided. Collection method: clinical testing. Allele origin: germline. Affected: yes. Not counted in ClinVar's aggregate classification.